The following is an entry in ClinVar:

ClinVar aggregate classification (germline): Uncertain significance. Review status: criteria provided, multiple submitters, no conflicts (2 of 4 stars). 2 submissions from 2 submitters: Uncertain significance (2). Last evaluated 2026-01-27.

Conditions:
Inborn genetic diseases. Identifiers: MedGen C0950123, MeSH D030342.
Glanzmann thrombasthenia. Also called: THROMBASTHENIA OF GLANZMANN AND NAEGELI; Glanzmann's thrombasthenia; PLATELET GLYCOPROTEIN IIb-IIIa DEFICIENCY; Thrombasthenia. Identifiers: Orphanet 849, MedGen C0040015, MONDO:0100326.

gnomAD v4.1: 63 of 1,592,250 alleles (0.004%); highest among the groups gnomAD compares: Non-Finnish European, 0.0049%; no homozygotes.

Submissions (2):

Labcorp Genetics (formerly Invitae), Labcorp
Classification: Uncertain significance for Glanzmann thrombasthenia. Last evaluated: 2026-01-27. Review status: criteria provided, single submitter. Criteria: Invitae Variant Classification Sherloc (09022015). Collection method: clinical testing. Allele origin: germline.
Comment: This sequence change replaces valine, which is neutral and non-polar, with methionine, which is neutral and non-polar, at codon 187 of the ITGA2B protein (p.Val187Met). This variant is present in population databases (rs758950072, gnomAD 0.02%). This variant has not been reported in the literature in individuals affected with ITGA2B-related conditions. Invitae Evidence Modeling of protein sequence and biophysical properties (such as structural, functional, and spatial information, amino acid conservation, physicochemical variation, residue mobility, and thermodynamic stability) has been performed for this missense variant. However, the output from this modeling did not meet the statistical confidence thresholds required to predict the impact of this variant on ITGA2B protein function. In summary, the available evidence is currently insufficient to determine the role of this variant in disease. Therefore, it has been classified as a Variant of Uncertain Significance.

Ambry Genetics
Classification: Uncertain significance for Inborn genetic diseases. Last evaluated: 2025-12-16. Review status: criteria provided, single submitter. Criteria: Ambry Variant Classification Scheme 2023. Collection method: clinical testing. Allele origin: germline.

NM_000419.5(ITGA2B):c.559G>A (p.Val187Met)

Gene: ITGA2B (integrin subunit alpha 2b; minus strand). Cytogenetic location: 17q21.31.
Variant type: single nucleotide variant.
Coding change: c.559G>A on transcript NM_000419.5 (MANE Select); coding-DNA position 559, G replaced by A.
Protein change: p.Val187Met; replaces valine 187 with methionine.
Molecular consequence: missense variant.
Genome position (GRCh38, 1-based): chr17:44,385,566, C>T on the plus strand (G>A on the coding strand, the complement: ITGA2B is on the minus strand). VCF-style: chr17-44385566-C-T. GRCh37 (hg19) VCF-style: chr17-42462934-C-T.
Other names: short protein forms V187M.
Identifiers: ClinVar variation 4808503 (VCV004808503.2).